The following is an entry in ClinVar:

NM_000090.4(COL3A1):c.2678del (p.Pro893fs)

Gene: COL3A1 (collagen type III alpha 1 chain; plus strand). Cytogenetic location: 2q32.2.
Variant type: Deletion.
Coding change: c.2678del on transcript NM_000090.4 (MANE Select); coding-DNA position 2678, one base deleted (C; older notation c.2678delC).
Protein change: p.Pro893fs; shifts the reading frame from proline 893.
Molecular consequence: frameshift variant.
Genome position (GRCh38, 1-based): chr2:189,003,998, C deleted; the last of 5 consecutive C bases (chr2:189,003,994-189,003,998); deleting any one gives the same sequence. VCF-style (leftmost placement, unchanged base first): chr2-189003993-AC-A. GRCh37 (hg19) VCF-style: chr2-189868719-AC-A.
Other names: c.2678delC (NM_000090.4); short protein forms P893fs.
Identifiers: ClinVar variation 4689392 (VCV004689392.2).
Genomic context (GRCh38, chr2:189,003,993, plus strand): 5'-AAATGCACTTTTTATTATAAATATTCAAATTTCAAACAATTATTTGTAGGGTAACCCAGG[AC>A]CCCCAGGTCCCAGCGGTTCTCCAGGCAAGGATGGGCCCCCAGGTCCTGCGGGTAACACTG-3'

ClinVar aggregate classification (germline): Pathogenic. Review status: criteria provided, multiple submitters, no conflicts (2 of 4 stars). 2 submissions from 2 submitters: Pathogenic (2). Last evaluated 2026-01-14.

Conditions:
Polymicrogyria with or without vascular-type Ehlers-Danlos syndrome. Identifiers: Orphanet 636941, MedGen C5193040, MONDO:0032688, OMIM 618343.
Familial thoracic aortic aneurysm and aortic dissection (TAAD). Also called: Thoracic aortic aneurysms and dissections. Identifiers: Orphanet 91387, MedGen C4707243, MONDO:0019625.

Submissions (2):

Women's Health and Genetics/Laboratory Corporation of America, LabCorp
Classification: Pathogenic for Polymicrogyria with or without vascular-type Ehlers-Danlos syndrome. Last evaluated: 2026-01-14. Review status: criteria provided, single submitter. Criteria: LabCorp Variant Classification Summary - May 2015. Collection method: clinical testing. Allele origin: germline.
Comment: Variant summary: COL3A1 c.2678delC (p.Pro893GlnfsX343) results in a premature termination codon, predicted to cause a truncation of the encoded protein or absence of the protein due to nonsense mediated decay, which are commonly known mechanisms for disease. The variant was absent in 246056 control chromosomes. To our knowledge, no occurrence of c.2678delC in individuals affected with COL3A1-related conditions and no experimental evidence demonstrating its impact on protein function have been reported. No submitters have cited clinical-significance assessments for this variant to ClinVar. Based on the evidence outlined above, the variant was classified as pathogenic.

Color Diagnostics, LLC DBA Color Health
Classification: Pathogenic for Familial thoracic aortic aneurysm and aortic dissection. Last evaluated: 2025-10-14. Review status: criteria provided, single submitter. Criteria: ACMG Guidelines, 2015. Collection method: clinical testing. Allele origin: germline.
Comment: This variant deletes 1 nucleotide in exon 39 of the COL3A1 gene, creating a frameshift and premature translation stop signal. This variant is expected to result in an absent or non-functional protein product. To our knowledge, this variant has not been reported in individuals affected with COL3A1-related disorders in the literature. This variant has not been identified in the general population by the Genome Aggregation Database (gnomAD). Loss of COL3A1 function is a known mechanism of disease. Based on the available evidence, this variant is classified as Pathogenic.